The following is an entry in ClinVar:

ClinVar aggregate classification (germline): Benign/Likely benign. Review status: criteria provided, multiple submitters, no conflicts (2 of 4 stars). 4 submissions from 4 submitters: Benign (2); Likely benign (1). 1 of the submissions does not count toward it. Last evaluated 2023-04-04.

Conditions:
Polycystic kidney disease. Also called: Polycystic kidney dysplasia; Kidney, Polycystic. Identifiers: MedGen C0022680, MeSH D007690, MONDO:0020642, HP:0000113.

Allele frequency attached by ClinVar (database versions not stated): gnomAD exomes 0.00006; ExAC 0.00015; 1000 Genomes Project 30x 0.00016; 1000 Genomes Project 0.00020; gnomAD 0.00044 and 0.00049; TOPMed 0.00049.
gnomAD v4.1: 134 of 1,532,000 alleles (0.0087%); highest among the groups gnomAD compares: African/African-American, 0.17%; no homozygotes.

Submissions (4):

Blueprint Genetics
Classification: Likely benign. Last evaluated: 2023-04-04. Review status: criteria provided, single submitter. Criteria: ACMG Guidelines, 2015. Collection method: clinical testing. Allele origin: germline.

Athena Diagnostics
Classification: Benign. Last evaluated: 2020-08-06. Review status: criteria provided, single submitter. Criteria: Athena Diagnostics Criteria. Collection method: clinical testing. Allele origin: unknown.

Breakthrough Genomics
Classification: Benign. Review status: criteria provided, single submitter. Criteria: ACMG Guidelines, 2015. Collection method: not provided. Allele origin: germline. Inheritance: Autosomal dominant inheritance. Affected: yes.

Department of Pathology and Laboratory Medicine, Sinai Health System
Classification: Likely benign for Polycystic Kidney disease. Review status: no assertion criteria provided. Collection method: clinical testing. Allele origin: unknown. Affected: yes. Study: The Canadian Open Genetics Repository (COGR). Not counted in ClinVar's aggregate classification.
Comment: The PKD1 p.Ala256= variant was not identified in the literature nor was it identified in the ClinVar, LOVD 3.0, ADPKD Mutation Database, or PKD1-LOVD database. The variant was identified in dbSNP (ID: rs548835442). The variant was identified in control databases in 29 of 163928 chromosomes at a frequency of 0.0002 (Genome Aggregation Database Feb 27, 2017). The variant was observed in the following populations: African in 28 of 15182 chromosomes (freq: 0.002) and Latino in 1 of 24708 chromosomes (freq: 0.00004), but was not observed in the Other, European, Ashkenazi Jewish, East Asian, Finnish, or South Asian populations. The p.Ala256= variant is not expected to have clinical significance because it does not result in a change of amino acid and is not located in a known consensus splice site. In addition, in silico or computational prediction software programs (SpliceSiteFinder, MaxEntScan, NNSPLICE, GeneSplicer) do not predict a difference in splicing. In summary, based on the above information, the clinical significance of this variant cannot be determined with certainty at this time although we would lean towards a more benign role for this variant. This variant is classified as likely benign.

NM_001009944.3(PKD1):c.768C>T (p.Ala256=)

Gene: PKD1 (polycystin 1, transient receptor potential channel interacting; minus strand). Cytogenetic location: 16p13.3.
Variant type: single nucleotide variant.
Coding change: c.768C>T on transcript NM_001009944.3 (MANE Select); coding-DNA position 768, C replaced by T.
Protein change: p.Ala256=; no amino-acid change (alanine 256 retained).
Molecular consequence: synonymous variant.
Genome position (GRCh38, 1-based): chr16:2,118,224, G>A on the plus strand (C>T on the coding strand, the complement: PKD1 is on the minus strand). VCF-style: chr16-2118224-G-A. GRCh37 (hg19) VCF-style: chr16-2168225-G-A.
Other names: c.768C>T, p.Ala256= (NM_000296.4).
Identifiers: ClinVar variation 994671 (VCV000994671.4), dbSNP rs548835442, ClinGen allele CA7833669.
Genomic context (GRCh38, chr16:2,118,224, plus strand): 5'-GGTGGCCCCTGGGGAGGCAGGGAAGACGTGCTGGAGGAGGGTGGGGCCCCTACAGGTGGG[G>A]GCAGGAGGTGGCGGGGGGCCGGAGCAGAGGGACAGGCAGGCAAAGGAGGCACTGGAGGGC-3'
Protein context (NP_001009944.3, residues 246-266): SLCSGPPPPP[Ala256=]PTCRGPTLLQ